The following is an entry in ClinVar:

NM_004168.4(SDHA):c.188A>G (p.Asp63Gly)

Gene: SDHA (succinate dehydrogenase complex flavoprotein subunit A; plus strand). Cytogenetic location: 5p15.33.
Variant type: single nucleotide variant.
Coding change: c.188A>G on transcript NM_004168.4 (MANE Select); coding-DNA position 188, A replaced by G.
Protein change: p.Asp63Gly; replaces aspartic acid 63 with glycine.
Molecular consequence: missense variant.
Genome position (GRCh38, 1-based): chr5:224,397, A>G. VCF-style: chr5-224397-A-G. GRCh37 (hg19) VCF-style: chr5-224512-A-G.
Other names: c.188A>G, p.Asp63Gly (NM_001294332.2, NM_001330758.2); short protein forms D63G.
Identifiers: ClinVar variation 579606 (VCV000579606.15), dbSNP rs1553997327, ClinGen allele CA359008451.

ClinVar aggregate classification (germline): Uncertain significance. Review status: criteria provided, multiple submitters, no conflicts (2 of 4 stars). 2 submissions from 2 submitters: Uncertain significance (2). Last evaluated 2026-01-28.

Conditions:
Hereditary cancer-predisposing syndrome. Also called: Neoplastic Syndromes, Hereditary; Tumor predisposition; Hereditary neoplastic syndrome; Hereditary Cancer Syndrome. Identifiers: Orphanet 140162, MedGen C0027672, MeSH D009386, MONDO:0015356.
Mitochondrial complex II deficiency, nuclear type 1. Also called: SUCCINATE CoQ REDUCTASE DEFICIENCY. Identifiers: Orphanet 3208, MedGen C5700310, MONDO:0100294, OMIM 252011.
Pheochromocytoma/paraganglioma syndrome 5. Also called: Paragangliomas 5; SDHA-Related Hereditary Paraganglioma-Pheochromocytoma Syndrome. Identifiers: Orphanet 29072, MedGen C3279992, MONDO:0013602, OMIM 614165.

Submissions (2):

Ambry Genetics
Classification: Uncertain significance for Hereditary cancer-predisposing syndrome. Last evaluated: 2026-01-28. Review status: criteria provided, single submitter. Criteria: Ambry Variant Classification Scheme 2023. Collection method: clinical testing. Allele origin: germline.
Comment: The p.D63G variant (also known as c.188A>G), located in coding exon 3 of the SDHA gene, results from an A to G substitution at nucleotide position 188. The aspartic acid at codon 63 is replaced by glycine, an amino acid with similar properties. This amino acid position is highly conserved in available vertebrate species. In addition, this alteration is predicted to be deleterious by in silico analysis. Since supporting evidence is limited at this time, the clinical significance of this alteration remains unclear.

Labcorp Genetics (formerly Invitae), Labcorp
Classification: Uncertain significance for Pheochromocytoma/paraganglioma syndrome 5; Mitochondrial complex II deficiency, nuclear type 1. Last evaluated: 2025-08-29. Review status: criteria provided, single submitter. Criteria: Invitae Variant Classification Sherloc (09022015). Collection method: clinical testing. Allele origin: germline.
Comment: This sequence change replaces aspartic acid, which is acidic and polar, with glycine, which is neutral and non-polar, at codon 63 of the SDHA protein (p.Asp63Gly). This variant is not present in population databases (gnomAD no frequency). This variant has not been reported in the literature in individuals affected with SDHA-related conditions. ClinVar contains an entry for this variant (Variation ID: 579606). Invitae Evidence Modeling of protein sequence and biophysical properties (such as structural, functional, and spatial information, amino acid conservation, physicochemical variation, residue mobility, and thermodynamic stability) has been performed for this missense variant. However, the output from this modeling did not meet the statistical confidence thresholds required to predict the impact of this variant on SDHA protein function. In summary, the available evidence is currently insufficient to determine the role of this variant in disease. Therefore, it has been classified as a Variant of Uncertain Significance.